The following is an entry in ClinVar:

ClinVar aggregate classification (germline): Uncertain significance (1 of 4 stars; one submission).

Conditions:
Perrault syndrome 1 (PRLTS1). Also called: GONADAL DYSGENESIS, XX TYPE, WITH DEAFNESS; OVARIAN DYSGENESIS WITH SENSORINEURAL DEAFNESS. Identifiers: Orphanet 2855, Orphanet 642945, MedGen C4551721, MONDO:0009300, OMIM 233400.

Allele frequency attached by ClinVar (database versions not stated): gnomAD exomes below 0.00001.
gnomAD v4.1: 2 of 1,611,640 alleles (0.00012%); highest among the groups gnomAD compares: Non-Finnish European, 0.00017%; no homozygotes.

Submission:

Illumina Laboratory Services, Illumina
Classification: Uncertain significance for Perrault syndrome 1. Last evaluated: 2021-05-21. Review status: criteria provided, single submitter. Criteria: ICSLVariantClassificationCriteria RUGD 01 April 2020. Collection method: clinical testing. Allele origin: unknown.
Comment: The HSD17B4 c.74A>G (p.Tyr25Cys) variant is a missense variant. A literature search was performed for the gene, cDNA change, and amino acid change. No publications were found based on this search. This variant is not found in the Genome Aggregation Database (versions 2.1.1 and 3.1.1) in a region of good sequencing coverage, so the variant is presumed to be rare. Based on the limited evidence, the p.Tyr25Cys variant is classified as a variant of uncertain significance for Perrault syndrome.

NM_000414.4(HSD17B4):c.74A>G (p.Tyr25Cys)

Gene: HSD17B4 (hydroxysteroid 17-beta dehydrogenase 4; plus strand). Cytogenetic location: 5q23.1.
Variant type: single nucleotide variant.
Coding change: c.74A>G on transcript NM_000414.4 (MANE Select); coding-DNA position 74, A replaced by G.
Protein change: p.Tyr25Cys; replaces tyrosine 25 with cysteine.
Molecular consequence: missense variant. On other transcripts: synonymous variant (1), 5 prime UTR variant (7), non-coding transcript variant (2), intron variant (1).
Genome position (GRCh38, 1-based): chr5:119,456,330, A>G. VCF-style: chr5-119456330-A-G. GRCh37 (hg19) VCF-style: chr5-118792025-A-G.
Other names: c.84A>G, p.Leu28= (NM_001199291.3); c.-64A>G (NM_001292027.2); c.-338A>G (NM_001292028.2, NM_001374501.1); c.74A>G, p.Tyr25Cys (NM_001374497.1, NM_001374498.1); c.-272A>G (NM_001374499.1); c.-465A>G (NM_001374500.1); c.-343A>G (NM_001374502.1); c.-408A>G (NM_001374503.1); and 1 more; short protein forms Y25C.
Identifiers: ClinVar variation 1328542 (VCV001328542.4), dbSNP rs2126610386, ClinGen allele CA360859918.